The following is an entry in ClinVar:

ClinVar aggregate classification (germline): Likely benign. Review status: criteria provided, single submitter (1 of 4 stars). 2 submissions from 2 submitters: Likely benign (1). 1 of the submissions does not count toward it. Last evaluated 2024-10-11.

Conditions:
BBS5-related disorder. Also called: BBS5-related condition.

Allele frequency attached by ClinVar (database versions not stated): gnomAD 0.00011; gnomAD exomes 0.00014; ESP Exome Variant Server 0.00015; 1000 Genomes Project 30x 0.00016; ExAC 0.00016; TOPMed 0.00016; 1000 Genomes Project 0.00020.
gnomAD v4.1: 188 of 1,287,782 alleles (0.015%); highest among the groups gnomAD compares: Admixed American, 0.015%; no homozygotes.

Submissions (2):

Blueprint Genetics
Classification: Likely benign. Last evaluated: 2024-10-11. Review status: criteria provided, single submitter. Criteria: ACMG Guidelines, 2015. Collection method: clinical testing. Allele origin: germline.

PreventionGenetics, part of Exact Sciences
Classification: Likely benign for BBS5-related condition. Last evaluated: 2019-11-25. Review status: no assertion criteria provided. Collection method: clinical testing. Allele origin: germline. Not counted in ClinVar's aggregate classification.
Comment: This variant is classified as likely benign based on ACMG/AMP sequence variant interpretation guidelines (Richards et al. 2015 PMID: 25741868, with internal and published modifications).

NM_152384.3(BBS5):c.619-35A>C

Gene: BBS5 (Bardet-Biedl syndrome 5; plus strand). Cytogenetic location: 2q31.1.
Variant type: single nucleotide variant.
Coding change: c.619-35A>C on transcript NM_152384.3 (MANE Select); 35 bases into the intron before coding-DNA position 619, A replaced by C.
Molecular consequence: intron variant.
Genome position (GRCh38, 1-based): chr2:169,497,592, A>C. VCF-style: chr2-169497592-A-C. GRCh37 (hg19) VCF-style: chr2-170354102-A-C.
Identifiers: ClinVar variation 3038650 (VCV003038650.3), dbSNP rs148042741, ClinGen allele CA1956254.